The following is an entry in ClinVar:

NM_003775.4(S1PR4):c.12G>A (p.Thr4=)

Genes: S1PR4 (sphingosine-1-phosphate receptor 4; plus strand), LOC130063123 (ATAC-STARR-seq lymphoblastoid silent region 9831; plus strand). Cytogenetic location: 19p13.3.
Variant type: single nucleotide variant.
Coding change: c.12G>A on transcript NM_003775.4 (MANE Select); coding-DNA position 12, G replaced by A.
Protein change: p.Thr4=; no amino-acid change (threonine 4 retained).
Molecular consequence: synonymous variant.
Genome position (GRCh38, 1-based): chr19:3,178,804, G>A. VCF-style: chr19-3178804-G-A. GRCh37 (hg19) VCF-style: chr19-3178802-G-A.
Identifiers: ClinVar variation 2648983 (VCV002648983.24), dbSNP rs755933228, ClinGen allele CA9075536.

ClinVar aggregate classification (germline): Likely benign (1 of 4 stars; one submission).

Allele frequency attached by ClinVar (database versions not stated): gnomAD exomes 0.00010; gnomAD 0.00013; TOPMed 0.00020; ExAC 0.00026.
gnomAD v4.1: 153 of 1,503,510 alleles (0.01%); highest among the groups gnomAD compares: Admixed American, 0.046%; no homozygotes.

Submission:

CeGaT Center for Human Genetics Tuebingen
Classification: Likely benign. Last evaluated: 2023-03-01. Review status: criteria provided, single submitter. Criteria: CeGaT Center For Human Genetics Tuebingen Variant Classification Criteria Version 2. Collection method: clinical testing. Allele origin: germline. Affected: yes. Observed: 1 variant allele.
Comment: S1PR4: BP4, BP7